The following is an entry in ClinVar:

NM_015404.4(WHRN):c.1360G>A (p.Val454Ile)

Gene: WHRN (whirlin; minus strand). Cytogenetic location: 9q32.
Variant type: single nucleotide variant.
Coding change: c.1360G>A on transcript NM_015404.4 (MANE Select); coding-DNA position 1360, G replaced by A.
Protein change: p.Val454Ile; replaces valine 454 with isoleucine.
Molecular consequence: missense variant.
Genome position (GRCh38, 1-based): chr9:114,424,390, C>T on the plus strand (G>A on the coding strand, the complement: WHRN is on the minus strand). VCF-style: chr9-114424390-C-T. GRCh37 (hg19) VCF-style: chr9-117186670-C-T.
Other names: c.211G>A, p.Val71Ile (NM_001083885.3); c.1360G>A, p.Val454Ile (NM_001173425.2); c.307G>A, p.Val103Ile (NM_001346890.1); short protein forms V454I, V71I, V103I.
Identifiers: ClinVar variation 45651 (VCV000045651.7), dbSNP rs370178817, ClinGen allele CA136876.

ClinVar aggregate classification (germline): Conflicting classifications of pathogenicity. Review status: criteria provided, conflicting classifications (1 of 4 stars). 2 submissions from 2 submitters: Uncertain significance (1); Likely benign (1). Last evaluated 2022-06-13.

Allele frequency attached by ClinVar (database versions not stated): gnomAD exomes 0.00001 and 0.00002; TOPMed 0.00001; ExAC 0.00002; gnomAD 0.00002; ESP Exome Variant Server 0.00008.
gnomAD v4.1: 35 of 1,612,598 alleles (0.0022%); highest among the groups gnomAD compares: Non-Finnish European, 0.0027%; no homozygotes.

Submissions (2):

Labcorp Genetics (formerly Invitae), Labcorp
Classification: Uncertain significance. Last evaluated: 2022-06-13. Review status: criteria provided, single submitter. Criteria: Invitae Variant Classification Sherloc (09022015). Collection method: clinical testing. Allele origin: germline.
Comment: This sequence change replaces valine, which is neutral and non-polar, with isoleucine, which is neutral and non-polar, at codon 454 of the WHRN protein (p.Val454Ile). This variant is present in population databases (rs370178817, gnomAD 0.003%). This variant has not been reported in the literature in individuals affected with WHRN-related conditions. ClinVar contains an entry for this variant (Variation ID: 45651). Algorithms developed to predict the effect of missense changes on protein structure and function output the following: SIFT: "Tolerated"; PolyPhen-2: "Benign"; Align-GVGD: "Class C0". The isoleucine amino acid residue is found in multiple mammalian species, which suggests that this missense change does not adversely affect protein function. In summary, the available evidence is currently insufficient to determine the role of this variant in disease. Therefore, it has been classified as a Variant of Uncertain Significance.

Laboratory for Molecular Medicine, Mass General Brigham Personalized Medicine
Classification: Likely benign. Last evaluated: 2013-02-22. Review status: criteria provided, single submitter. Criteria: LMM Criteria. Collection method: clinical testing. Allele origin: germline. Observed: 1 variant allele.
Comment: Val454Ile in exon 6 of DFNB31: This variant has been identified in 0.01% (1/8600 ) of European American chromosomes in a broad population by the NHLBI Exome sequ encing project. This variant is not expected to have clinical significance due to a lack of conservation across species, inc luding mammals. Of note, at least 8 different mammals (bushbaby, mouse, rat, kan garoo rat, guinea pig, tenrec, opossum and platypus) have an Isoleucine (Ile). I n addition, computational analyses (PolyPhen2, SIFT, AlignGVGD) suggest the vari ant will not impact the protein.